The following is an entry in ClinVar:

NC_000020.10:g.(?_18455699)_(18455851_?)dup

Gene: POLR3F (RNA polymerase III subunit F; plus strand). Cytogenetic location: 20p11.23.
Variant type: Duplication.
Identifiers: ClinVar variation 3248327 (VCV003248327.1).

ClinVar aggregate classification (germline): Uncertain significance (1 of 4 stars; one submission).

Submission:

Labcorp Genetics (formerly Invitae), Labcorp
Classification: Uncertain significance. Last evaluated: 2023-12-28. Review status: criteria provided, single submitter. Criteria: Invitae Variant Classification Sherloc (09022015). Collection method: clinical testing. Allele origin: unknown.
Comment: This variant results in a copy number gain of the genomic region encompassing exon(s) 5 of the POLR3F gene. While the exact position of this variant cannot be determined from the data, sub-genic copy number gains are generally in tandem (PMID: 25640679). This variant is predicted to be out-of-frame, and may result in an absent or disrupted protein product. However, the current clinical and genetic evidence is not sufficient to establish whether loss-of-function variants in POLR3F cause disease. This variant has not been reported in the literature in individuals affected with POLR3F-related conditions. In summary, the available evidence is currently insufficient to determine the role of this variant in disease. Therefore, it has been classified as a Variant of Uncertain Significance.

Literature cited by the submitters: PubMed 25640679.